The following is an entry in ClinVar:

ClinVar aggregate classification (germline): Uncertain significance (1 of 4 stars; one submission).

Conditions:
Epileptic encephalopathy. Identifiers: MedGen C0543888, HP:0200134.

Allele frequency attached by ClinVar (database versions not stated): gnomAD 0.00002; TOPMed 0.00003; gnomAD exomes 0.00005; ESP Exome Variant Server 0.00008; ExAC 0.00010.

Submission:

Labcorp Genetics (formerly Invitae), Labcorp
Classification: Uncertain significance for Epileptic encephalopathy. Last evaluated: 2023-09-03. Review status: criteria provided, single submitter. Criteria: Invitae Variant Classification Sherloc (09022015). Collection method: clinical testing. Allele origin: germline.
Comment: An algorithm developed to predict the effect of missense changes on protein structure and function (PolyPhen-2) suggests that this variant is likely to be disruptive. In summary, the available evidence is currently insufficient to determine the role of this variant in disease. Therefore, it has been classified as a Variant of Uncertain Significance. This sequence change replaces glycine, which is neutral and non-polar, with serine, which is neutral and polar, at codon 1610 of the FASN protein (p.Gly1610Ser). This variant is present in population databases (rs144828416, gnomAD 0.006%). This variant has not been reported in the literature in individuals affected with FASN-related conditions. ClinVar contains an entry for this variant (Variation ID: 1424574).

NM_004104.5(FASN):c.4828G>A (p.Gly1610Ser)

Gene: FASN (fatty acid synthase; minus strand). Cytogenetic location: 17q25.3.
Variant type: single nucleotide variant.
Coding change: c.4828G>A on transcript NM_004104.5 (MANE Select); coding-DNA position 4828, G replaced by A.
Protein change: p.Gly1610Ser; replaces glycine 1610 with serine.
Molecular consequence: missense variant.
Genome position (GRCh38, 1-based): chr17:82,084,325, C>T on the plus strand (G>A on the coding strand, the complement: FASN is on the minus strand). VCF-style: chr17-82084325-C-T. GRCh37 (hg19) VCF-style: chr17-80042201-C-T.
Other names: short protein forms G1610S.
Identifiers: ClinVar variation 1424574 (VCV001424574.8), dbSNP rs144828416, ClinGen allele CA8851918.